The following is an entry in ClinVar:

ClinVar aggregate classification (germline): Uncertain significance (1 of 4 stars; one submission).

gnomAD v4.1: 1 of 1,613,892 alleles (0.000062%); highest among the groups gnomAD compares: Non-Finnish European, 0.000085%; no homozygotes.

Submission:

Ambry Genetics
Classification: Uncertain significance. Last evaluated: 2024-06-19. Review status: criteria provided, single submitter. Criteria: Ambry Variant Classification Scheme 2023. Collection method: clinical testing. Allele origin: germline.
Comment: The p.D245G variant (also known as c.734A>G), located in coding exon 1 of the PALLD gene, results from an A to G substitution at nucleotide position 734. The aspartic acid at codon 245 is replaced by glycine, an amino acid with similar properties. This amino acid position is conserved. In addition, this alteration is predicted to be tolerated by in silico analysis. Based on the available evidence, the clinical significance of this variant remains unclear.

NM_001166108.2(PALLD):c.734A>G (p.Asp245Gly)

Gene: PALLD (palladin, cytoskeletal associated protein; plus strand). Cytogenetic location: 4q32.3.
Variant type: single nucleotide variant.
Coding change: c.734A>G on transcript NM_001166108.2 (MANE Select); coding-DNA position 734, A replaced by G.
Protein change: p.Asp245Gly; replaces aspartic acid 245 with glycine.
Molecular consequence: missense variant.
Genome position (GRCh38, 1-based): chr4:168,512,238, A>G. VCF-style: chr4-168512238-A-G. GRCh37 (hg19) VCF-style: chr4-169433389-A-G.
Other names: c.734A>G, p.Asp245Gly (NM_016081.4); short protein forms D245G.
Identifiers: ClinVar variation 3304121 (VCV003304121.1).